The following is an entry in ClinVar:

NM_019851.3(FGF20):c.44_52del (p.Glu15_Leu17del)

Gene: FGF20 (fibroblast growth factor 20; minus strand). Cytogenetic location: 8p22.
Variant type: Deletion.
Coding change: c.44_52del on transcript NM_019851.3 (MANE Select); coding-DNA positions 44 to 52, 9 bases deleted (AGGGCTTGG; older notation c.44_52delAGGGCTTGG).
Protein change: p.Glu15_Leu17del.
Molecular consequence: inframe deletion.
Genome position (GRCh38, 1-based): chr8:17,001,981-17,001,989, CCAAGCCCT deleted on the plus strand (AGGGCTTGG on the coding strand, the reverse complement: FGF20 is on the minus strand); deleting any 9 consecutive bases within chr8:17,001,981-17,001,992 gives the same sequence; the c. name uses the placement nearest the transcript's 3' end. VCF-style (leftmost placement, unchanged base first): chr8-17001980-CCCAAGCCCT-C. GRCh37 (hg19) VCF-style: chr8-16859489-CCCAAGCCCT-C.
Identifiers: ClinVar variation 2811825 (VCV002811825.3), dbSNP rs1810199952, ClinGen allele CA1767407755.

ClinVar aggregate classification (germline): Uncertain significance (1 of 4 stars; one submission).

Submission:

Labcorp Genetics (formerly Invitae), Labcorp
Classification: Uncertain significance. Last evaluated: 2023-07-17. Review status: criteria provided, single submitter. Criteria: Invitae Variant Classification Sherloc (09022015). Collection method: clinical testing. Allele origin: germline.
Comment: In summary, the available evidence is currently insufficient to determine the role of this variant in disease. Therefore, it has been classified as a Variant of Uncertain Significance. Experimental studies and prediction algorithms are not available or were not evaluated, and the functional significance of this variant is currently unknown. This variant has not been reported in the literature in individuals affected with FGF20-related conditions. This variant is not present in population databases (gnomAD no frequency). This variant, c.44_52del, results in the deletion of 3 amino acid(s) of the FGF20 protein (p.Glu15_Leu17del), but otherwise preserves the integrity of the reading frame.